The following is an entry in ClinVar:

NM_014727.3(KMT2B):c.3106C>G (p.Pro1036Ala)

Gene: KMT2B (lysine methyltransferase 2B; plus strand). Cytogenetic location: 19q13.12.
Variant type: single nucleotide variant.
Coding change: c.3106C>G on transcript NM_014727.3 (MANE Select); coding-DNA position 3106, C replaced by G.
Protein change: p.Pro1036Ala; replaces proline 1036 with alanine.
Molecular consequence: missense variant.
Genome position (GRCh38, 1-based): chr19:35,723,779, C>G. VCF-style: chr19-35723779-C-G. GRCh37 (hg19) VCF-style: chr19-36214680-C-G.
Other names: short protein forms P1036A.
Identifiers: ClinVar variation 1703314 (VCV001703314.3), dbSNP rs1969313987, ClinGen allele CA405403873.
Genomic context (GRCh38, chr19:35,723,779, plus strand): 5'-CCTGTTCCCGCAGGCCGGACGATAGTGAAGACGCTGTTGCCCTGGGATTCCGATGAATCT[C>G]CTGAGGCCTCCCCTGGTCCTCCAGGCCCACGCCGGGGGGCGGGAGCTGGGGGGCCCCGGG-3'
Protein context (NP_055542.1, residues 1026-1046): TLLPWDSDES[Pro1036Ala]EASPGPPGPR

ClinVar aggregate classification (germline): Uncertain significance (1 of 4 stars; one submission).

Submission:

GeneDx
Classification: Uncertain significance. Last evaluated: 2026-03-03. Review status: criteria provided, single submitter. Criteria: GeneDx Variant Classification Process June 2021. Collection method: clinical testing. Allele origin: germline.
Comment: Not observed at significant frequency in large population cohorts (gnomAD); In silico analysis supports that this missense variant has a deleterious effect on protein structure/function; Has not been previously published as pathogenic or benign to our knowledge